The following is an entry in ClinVar:

NM_000057.4(BLM):c.*5C>T

Gene: BLM (BLM RecQ like helicase; plus strand). Cytogenetic location: 15q26.1.
Variant type: single nucleotide variant.
Coding change: c.*5C>T on transcript NM_000057.4 (MANE Select); 5 bases downstream of the stop codon, C replaced by T.
Molecular consequence: 3 prime UTR variant.
Genome position (GRCh38, 1-based): chr15:90,815,284, C>T. VCF-style: chr15-90815284-C-T. GRCh37 (hg19) VCF-style: chr15-91358514-C-T.
Other names: c.*5C>T (NM_001287246.2, NM_001287247.2, NM_001287248.2).
Identifiers: ClinVar variation 2682142 (VCV002682142.2), dbSNP rs765070185, ClinGen allele CA7739221.

ClinVar aggregate classification (germline): Uncertain significance (1 of 4 stars; one submission).

Allele frequency attached by ClinVar (database versions not stated): gnomAD exomes 0.00001; TOPMed 0.00001; ExAC 0.00006.

Submission:

Quest Diagnostics Nichols Institute San Juan Capistrano
Classification: Uncertain significance. Last evaluated: 2025-03-15. Review status: criteria provided, single submitter. Criteria: Quest Diagnostics criteria. Collection method: clinical testing. Allele origin: unknown.
Comment: The BLM c.*5C>T variant has not been reported in the published literature. The frequency of this variant in the general population (Genome Aggregation Database) is uninformative in the assessment of its pathogenicity. Based on the available information, we are unable to determine the clinical significance of this variant.